The following is an entry in ClinVar:

ClinVar aggregate classification (germline): Likely benign. Review status: criteria provided, multiple submitters, no conflicts (2 of 4 stars). 3 submissions from 3 submitters: Likely benign (2). 1 of the submissions does not count toward it. Last evaluated 2025-11-06.

Conditions:
TFAP2B-related disorder. Also called: TFAP2B-related condition.

Allele frequency attached by ClinVar (database versions not stated): gnomAD exomes below 0.00001; TOPMed below 0.00001; ExAC 0.00002.
gnomAD v4.1: 7 of 1,606,600 alleles (0.00044%); highest among the groups gnomAD compares: Admixed American, 0.0051%; no homozygotes.

Submissions (3):

Labcorp Genetics (formerly Invitae), Labcorp
Classification: Likely benign. Last evaluated: 2025-11-06. Review status: criteria provided, single submitter. Criteria: Invitae Variant Classification Sherloc (09022015). Collection method: clinical testing. Allele origin: germline.

Blueprint Genetics
Classification: Likely benign. Last evaluated: 2023-10-13. Review status: criteria provided, single submitter. Criteria: ACMG Guidelines, 2015. Collection method: clinical testing. Allele origin: germline.

PreventionGenetics, part of Exact Sciences
Classification: Likely benign for TFAP2B-related condition. Last evaluated: 2019-05-06. Review status: no assertion criteria provided. Collection method: clinical testing. Allele origin: germline. Not counted in ClinVar's aggregate classification.
Comment: This variant is classified as likely benign based on ACMG/AMP sequence variant interpretation guidelines (Richards et al. 2015 PMID: 25741868, with internal and published modifications).

NM_003221.4(TFAP2B):c.117G>A (p.Arg39=)

Gene: TFAP2B (transcription factor AP-2 beta; plus strand). Cytogenetic location: 6p12.3.
Variant type: single nucleotide variant.
Coding change: c.117G>A on transcript NM_003221.4 (MANE Select); coding-DNA position 117, G replaced by A.
Protein change: p.Arg39=; no amino-acid change (arginine 39 retained).
Molecular consequence: synonymous variant.
Genome position (GRCh38, 1-based): chr6:50,823,442, G>A. VCF-style: chr6-50823442-G-A. GRCh37 (hg19) VCF-style: chr6-50791155-G-A.
Identifiers: ClinVar variation 3037790 (VCV003037790.4), dbSNP rs367843046, ClinGen allele CA3850287.
Genomic context (GRCh38, chr6:50,823,442, plus strand): 5'-TTCCCCTTCCTCTCTCCGCTCCCAGGACCGGCACGATGGTGTCCCGAGCCACAGCTCGCG[G>A]CTCTCCCAGCTGGGCTCGGTGTCCCAAGGACCCTACTCGAGCGCCCCGCCGCTGTCCCAC-3'
Protein context (NP_003212.2, residues 29-49): RHDGVPSHSS[Arg39=]LSQLGSVSQG